The following is an entry in ClinVar:

NM_032806.6(POMGNT2):c.1244C>T (p.Thr415Ile)

Gene: POMGNT2 (protein O-linked mannose N-acetylglucosaminyltransferase 2 (beta 1,4-); minus strand). Cytogenetic location: 3p22.1.
Variant type: single nucleotide variant.
Coding change: c.1244C>T on transcript NM_032806.6 (MANE Select); coding-DNA position 1244, C replaced by T.
Protein change: p.Thr415Ile; replaces threonine 415 with isoleucine.
Molecular consequence: missense variant.
Genome position (GRCh38, 1-based): chr3:43,080,188, G>A on the plus strand (C>T on the coding strand, the complement: POMGNT2 is on the minus strand). VCF-style: chr3-43080188-G-A. GRCh37 (hg19) VCF-style: chr3-43121680-G-A.
Other names: short protein forms T415I.
Identifiers: ClinVar variation 2200020 (VCV002200020.4), dbSNP rs1303370268, ClinGen allele CA352301538.

ClinVar aggregate classification (germline): Uncertain significance (1 of 4 stars; one submission).

Conditions:
Muscular dystrophy-dystroglycanopathy (congenital with brain and eye anomalies), type a, 8 (MDDGA8). Also called: WALKER-WARBURG SYNDROME OR MUSCLE-EYE-BRAIN DISEASE, GTDC2-RELATED. Identifiers: Orphanet 899, MedGen C3553813, MONDO:0013904, OMIM 614830.

gnomAD v4.1: 3 of 1,614,006 alleles (0.00019%); highest among the groups gnomAD compares: Admixed American, 0.0017%; no homozygotes.

Submission:

Labcorp Genetics (formerly Invitae), Labcorp
Classification: Uncertain significance for Muscular dystrophy-dystroglycanopathy (congenital with brain and eye anomalies), type a, 8. Last evaluated: 2022-06-23. Review status: criteria provided, single submitter. Criteria: Invitae Variant Classification Sherloc (09022015). Collection method: clinical testing. Allele origin: germline.
Comment: In summary, the available evidence is currently insufficient to determine the role of this variant in disease. Therefore, it has been classified as a Variant of Uncertain Significance. Algorithms developed to predict the effect of missense changes on protein structure and function (SIFT, PolyPhen-2, Align-GVGD) all suggest that this variant is likely to be tolerated. This variant has not been reported in the literature in individuals affected with POMGNT2-related conditions. This variant is present in population databases (no rsID available, gnomAD 0.1%). This sequence change replaces threonine, which is neutral and polar, with isoleucine, which is neutral and non-polar, at codon 415 of the POMGNT2 protein (p.Thr415Ile).